The following is an entry in ClinVar:

ClinVar aggregate classification (germline): Uncertain significance (1 of 4 stars; one submission).

gnomAD v4.1: 2 of 1,605,256 alleles (0.00012%); highest among the groups gnomAD compares: Non-Finnish European, 0.00017%; no homozygotes.

Submission:

Labcorp Genetics (formerly Invitae), Labcorp
Classification: Uncertain significance. Last evaluated: 2023-03-08. Review status: criteria provided, single submitter. Criteria: Invitae Variant Classification Sherloc (09022015). Collection method: clinical testing. Allele origin: germline.
Comment: An algorithm developed to predict the effect of missense changes on protein structure and function (PolyPhen-2) suggests that this variant is likely to be tolerated. This sequence change replaces proline, which is neutral and non-polar, with threonine, which is neutral and polar, at codon 974 of the KIF11 protein (p.Pro974Thr). This variant is not present in population databases (gnomAD no frequency). This variant has not been reported in the literature in individuals affected with KIF11-related conditions. In summary, the available evidence is currently insufficient to determine the role of this variant in disease. Therefore, it has been classified as a Variant of Uncertain Significance.

NM_004523.4(KIF11):c.2920C>A (p.Pro974Thr)

Gene: KIF11 (kinesin family member 11; plus strand). Cytogenetic location: 10q23.33.
Variant type: single nucleotide variant.
Coding change: c.2920C>A on transcript NM_004523.4 (MANE Select); coding-DNA position 2920, C replaced by A.
Protein change: p.Pro974Thr; replaces proline 974 with threonine.
Molecular consequence: missense variant.
Genome position (GRCh38, 1-based): chr10:92,649,984, C>A. VCF-style: chr10-92649984-C-A. GRCh37 (hg19) VCF-style: chr10-94409741-C-A.
Other names: short protein forms P974T.
Identifiers: ClinVar variation 2844054 (VCV002844054.3), dbSNP rs974839529, ClinGen allele CA377806224.
Genomic context (GRCh38, chr10:92,649,984, plus strand): 5'-AAACAGCCTGAGCTGTTAATGATGCTAAACTGTTCAGAAAACAACAAAGAAGAGACAATT[C>A]CGGTAAATTTAAAGGATCATATTTTATAATAGAACTCTTTTATGAACTCTTGATGTGGCT-3'
Protein context (NP_004514.2, residues 964-984): CSENNKEETI[Pro974Thr]DVDVEEAVLG